The following is an entry in ClinVar:

NM_133433.4(NIPBL):c.732T>C (p.Ser244=)

Gene: NIPBL (NIPBL cohesin loading factor; plus strand). Cytogenetic location: 5p13.2.
Variant type: single nucleotide variant.
Coding change: c.732T>C on transcript NM_133433.4 (MANE Select); coding-DNA position 732, T replaced by C.
Protein change: p.Ser244=; no amino-acid change (serine 244 retained).
Molecular consequence: synonymous variant.
Genome position (GRCh38, 1-based): chr5:36,970,997, T>C. VCF-style: chr5-36970997-T-C. GRCh37 (hg19) VCF-style: chr5-36971099-T-C.
Other names: c.732T>C, p.Ser244= (NM_015384.5).
Identifiers: ClinVar variation 3050110 (VCV003050110.5), dbSNP rs1041133270, ClinGen allele CA117028488.
Genomic context (GRCh38, chr5:36,970,997, plus strand): 5'-TGGTCCGTTGTCTGGCAATTCAGCTAATCATCATGCTGATAATCCTAGACATGGTTCAAG[T>C]GAGGACTACCTACACATGGTGCACAGGCTAAGTAGTGACGTATGTAATATATTATCATTA-3'
Protein context (NP_597677.2, residues 234-254): HHADNPRHGS[Ser244=]EDYLHMVHRL

ClinVar aggregate classification (germline): Likely benign. Review status: criteria provided, multiple submitters, no conflicts (2 of 4 stars). 3 submissions from 3 submitters: Likely benign (2). 1 of the submissions does not count toward it. Last evaluated 2025-12-24.

Conditions:
Cornelia de Lange syndrome 1 (CDLS1). Also called: TYPUS DEGENERATIVUS AMSTELODAMENSIS; Brachmann de Lange syndrome; NIPBL-Related Cornelia de Lange Syndrome. Identifiers: Orphanet 199, MedGen C4551851, MONDO:0007387, OMIM 122470.
NIPBL-related disorder. Also called: NIPBL-related condition.

Allele frequency attached by ClinVar (database versions not stated): TOPMed 0.00001; gnomAD 0.00003.
gnomAD v4.1: 11 of 1,613,568 alleles (0.00068%); highest among the groups gnomAD compares: Admixed American, 0.0083%; no homozygotes.

Submissions (3):

Labcorp Genetics (formerly Invitae), Labcorp
Classification: Likely benign for Cornelia de Lange syndrome 1. Last evaluated: 2025-12-24. Review status: criteria provided, single submitter. Criteria: Invitae Variant Classification Sherloc (09022015). Collection method: clinical testing. Allele origin: germline.

Blueprint Genetics
Classification: Likely benign. Last evaluated: 2024-10-24. Review status: criteria provided, single submitter. Criteria: ACMG Guidelines, 2015. Collection method: clinical testing. Allele origin: germline.

PreventionGenetics, part of Exact Sciences
Classification: Likely benign for NIPBL-related condition. Last evaluated: 2019-07-26. Review status: no assertion criteria provided. Collection method: clinical testing. Allele origin: germline. Not counted in ClinVar's aggregate classification.
Comment: This variant is classified as likely benign based on ACMG/AMP sequence variant interpretation guidelines (Richards et al. 2015 PMID: 25741868, with internal and published modifications).